The following is an entry in ClinVar:

ClinVar aggregate classification (germline): Pathogenic (1 of 4 stars; one submission).

Conditions:
Mitochondrial disease. Also called: Mitochondrial disorder; Mitochondrial disorders. Identifiers: Orphanet 68380, MedGen C0751651, MeSH D028361, MONDO:0044970.

Submission:

Victorian Clinical Genetics Services, Murdoch Childrens Research Institute
Classification: Pathogenic for Mitochondrial disease. Last evaluated: 2025-05-29. Review status: criteria provided, single submitter. Criteria: ACMG Guidelines, 2015. Collection method: clinical testing. Allele origin: germline. Affected: yes.
Comment: This variant is classified as Pathogenic. Evidence in support of pathogenic classification: This is a multigenic deletion spanning approximately 5.1kb and affects 12 genes. It encompasses part of the MT-ATP8 gene, through to part of the MT-ND5 gene. Additional information: This deletion is heteroplasmic. Previous evidence of pathogenicity for this deletion is inconclusive. This deletion has been reported at an unknown heteroplasmy level in an individual with mesial temporal lobe epilepsy and hippocampal sclerosis (PMID: 26993140). Very similar deletions are well reported in individuals with Kearns-Sayre syndrome, Pearson syndrome and chronic progressive external ophthalmoplegia (PMID: 20301382). Inheritance information for this deletion is not currently available in this individual.

NC_012920.1:m.8478_13589del

Genes: MT-ATP6 (mitochondrially encoded ATP synthase 6; plus strand), MT-ATP8 (mitochondrially encoded ATP synthase 8; plus strand), MT-CO3 (mitochondrially encoded cytochrome c oxidase III; plus strand), MT-ND3 (mitochondrially encoded NADH dehydrogenase 3; plus strand), MT-ND4 (mitochondrially encoded NADH dehydrogenase 4; plus strand) and 7 more.
Variant type: Deletion.
Identifiers: ClinVar variation 4528936 (VCV004528936.1).